The following is an entry in ClinVar:

NM_001384732.1(CPLANE1):c.9044G>A (p.Arg3015His)

Gene: CPLANE1 (ciliogenesis and planar polarity effector complex subunit 1; minus strand). Cytogenetic location: 5p13.2.
Variant type: single nucleotide variant.
Coding change: c.9044G>A on transcript NM_001384732.1 (MANE Select); coding-DNA position 9044, G replaced by A.
Protein change: p.Arg3015His; replaces arginine 3015 with histidine.
Molecular consequence: missense variant.
Genome position (GRCh38, 1-based): chr5:37,121,758, C>T on the plus strand (G>A on the coding strand, the complement: CPLANE1 is on the minus strand). VCF-style: chr5-37121758-C-T. GRCh37 (hg19) VCF-style: chr5-37121860-C-T.
Other names: c.8882G>A, p.Arg2961His (NM_023073.4); short protein forms R2961H, R3015H.
Identifiers: ClinVar variation 689747 (VCV000689747.13), dbSNP rs771622959, ClinGen allele CA3237578.

ClinVar aggregate classification (germline): Uncertain significance. Review status: criteria provided, multiple submitters, no conflicts (2 of 4 stars). 4 submissions from 4 submitters: Uncertain significance (4). Last evaluated 2024-03-27.

Conditions:
Orofaciodigital syndrome type 6 (OFD6). Also called: OROFACIODIGITAL SYNDROME VI; OFDS VI; POLYDACTYLY, CLEFT LIP/PALATE OR LINGUAL LUMP, AND PSYCHOMOTOR RETARDATION; VARADI SYNDROME; VARADI-PAPP SYNDROME; Oral-facial-digital syndrome type 6. Identifiers: Orphanet 2754, MedGen C2745997, MONDO:0010176, OMIM 277170.
Joubert syndrome 17 (JBTS17). Identifiers: Orphanet 475, MedGen C3553264, MONDO:0013824, OMIM 614615.

Allele frequency attached by ClinVar (database versions not stated): ExAC 0.00002; gnomAD exomes 0.00004; gnomAD 0.00006 and 0.00007; TOPMed 0.00006.
gnomAD v4.1: 123 of 1,613,790 alleles (0.0076%); highest among the groups gnomAD compares: Middle Eastern, 0.016%; no homozygotes.

Submissions (4):

Fulgent Genetics
Classification: Uncertain significance for Orofaciodigital syndrome type 6; Joubert syndrome 17. Last evaluated: 2024-03-27. Review status: criteria provided, single submitter. Criteria: ACMG Guidelines, 2015. Collection method: clinical testing. Allele origin: germline.

Labcorp Genetics (formerly Invitae), Labcorp
Classification: Uncertain significance. Last evaluated: 2023-08-04. Review status: criteria provided, single submitter. Criteria: Invitae Variant Classification Sherloc (09022015). Collection method: clinical testing. Allele origin: germline.
Comment: Advanced modeling of protein sequence and biophysical properties (such as structural, functional, and spatial information, amino acid conservation, physicochemical variation, residue mobility, and thermodynamic stability) performed at Invitae indicates that this missense variant is not expected to disrupt CPLANE1 protein function. In summary, the available evidence is currently insufficient to determine the role of this variant in disease. Therefore, it has been classified as a Variant of Uncertain Significance. This sequence change replaces arginine, which is basic and polar, with histidine, which is basic and polar, at codon 2961 of the CPLANE1 protein (p.Arg2961His). This variant is present in population databases (rs771622959, gnomAD 0.006%). This missense change has been observed in individual(s) with clinical features of CPLANE1-related conditions (PMID: 31216405). ClinVar contains an entry for this variant (Variation ID: 689747).

Illumina Laboratory Services, Illumina
Classification: Uncertain significance for Joubert syndrome 17. Last evaluated: 2018-01-13. Review status: criteria provided, single submitter. Criteria: ICSL Variant Classification Criteria 13 December 2019. Collection method: clinical testing. Allele origin: germline.

Baylor Genetics
Classification: Uncertain significance for Joubert syndrome 17; Orofaciodigital syndrome type 6. Last evaluated: 2012-09-26. Review status: criteria provided, single submitter. Criteria: ACMG Guidelines, 2015. Collection method: clinical testing. Allele origin: germline. Affected: yes.

Literature cited by the submitters: PubMed 31216405 (cited by Labcorp Genetics (formerly Invitae), Labcorp).